The following is an entry in ClinVar:

ClinVar aggregate classification (germline): Pathogenic (1 of 4 stars; one submission).

Submission:

Labcorp Genetics (formerly Invitae), Labcorp
Classification: Pathogenic. Last evaluated: 2025-12-01. Review status: criteria provided, single submitter. Criteria: Invitae Variant Classification Sherloc (09022015). Collection method: clinical testing. Allele origin: germline.
Comment: This sequence change creates a premature translational stop signal (p.Thr47Profs*54) in the CACNA1F gene. It is expected to result in an absent or disrupted protein product. Loss-of-function variants in CACNA1F are known to be pathogenic (PMID: 9662399, 11281458, 17525176, 22194652, 24124559, 26992781). This variant is not present in population databases (gnomAD no frequency). This variant has not been reported in the literature in individuals affected with CACNA1F-related conditions. ClinVar contains an entry for this variant (Variation ID: 2130228). For these reasons, this variant has been classified as Pathogenic.

Literature cited by the submitters: PubMed 9662399; PubMed 11281458; PubMed 17525176; PubMed 22194652; PubMed 24124559; PubMed 26992781.

NM_001256789.3(CACNA1F):c.135del (p.Thr47fs)

Gene: CACNA1F (calcium voltage-gated channel subunit alpha1 F; minus strand). Cytogenetic location: Xp11.23.
Variant type: Deletion.
Coding change: c.135del on transcript NM_001256789.3 (MANE Select); coding-DNA position 135, one base deleted (A; older notation c.135delA).
Protein change: p.Thr47fs; shifts the reading frame from threonine 47.
Molecular consequence: frameshift variant. On other transcripts: intron variant (1).
Genome position (GRCh38, 1-based): chrX:49,231,818, T deleted on the plus strand (A on the coding strand, the reverse complement: CACNA1F is on the minus strand). VCF-style (leftmost placement, unchanged base first): chrX-49231817-CT-C. GRCh37 (hg19) VCF-style: chrX-49088279-CT-C.
Other names: c.135del, p.Thr47fs (NM_005183.4); c.66-126del (NM_001256790.3); short protein forms T47fs.
Identifiers: ClinVar variation 2130228 (VCV002130228.4), dbSNP rs2519143355, ClinGen allele CA2580101148.